The following is an entry in ClinVar:

NM_000222.3(KIT):c.1662A>C (p.Glu554Asp)

Gene: KIT (KIT proto-oncogene, receptor tyrosine kinase; plus strand). Cytogenetic location: 4q12.
Variant type: single nucleotide variant.
Coding change: c.1662A>C on transcript NM_000222.3 (MANE Select); coding-DNA position 1662, A replaced by C.
Protein change: p.Glu554Asp; replaces glutamic acid 554 with aspartic acid.
Molecular consequence: missense variant.
Genome position (GRCh38, 1-based): chr4:54,727,430, A>C. VCF-style: chr4-54727430-A-C. GRCh37 (hg19) VCF-style: chr4-55593596-A-C.
Other names: c.1650A>C, p.Glu550Asp (NM_001093772.2, NM_001385286.1); c.1665A>C, p.Glu555Asp (NM_001385284.1, NM_001385290.1); c.1662A>C, p.Glu554Asp (NM_001385285.1); c.1653A>C, p.Glu551Asp (NM_001385288.1, NM_001385292.1); short protein forms E550D, E554D, E551D, E555D.
Identifiers: ClinVar variation 645887 (VCV000645887.10), dbSNP rs1577994816, ClinGen allele CA356907447.

ClinVar aggregate classification (germline): Uncertain significance (1 of 4 stars; one submission).
ClinVar aggregate classification (oncogenicity): Uncertain significance (0 of 4 stars; one submission).

Conditions:
Gastrointestinal stromal tumor. Also called: Gastrointestinal stromal tumor, somatic; Gastrointestinal stroma tumor. Identifiers: Orphanet 44890, MedGen C0238198, MeSH D046152, MONDO:0011719, OMIM 606764, HP:0100723.

Submissions (2):

Labcorp Genetics (formerly Invitae), Labcorp
Classification: Uncertain significance for Gastrointestinal stromal tumor. Last evaluated: 2018-10-07. Review status: criteria provided, single submitter. Criteria: Invitae Variant Classification Sherloc (09022015). Collection method: clinical testing. Allele origin: germline.
Comment: This variant has not been reported in the literature in individuals with KIT-related disease. Algorithms developed to predict the effect of missense changes on protein structure and function are either unavailable or do not agree on the potential impact of this missense change (SIFT: "Deleterious"; PolyPhen-2: "Probably Damaging"; Align-GVGD: "Class C15"). In summary, the available evidence is currently insufficient to determine the role of this variant in disease. Therefore, it has been classified as a Variant of Uncertain Significance. This variant is not present in population databases (ExAC no frequency). This sequence change replaces glutamic acid with aspartic acid at codon 554 of the KIT protein (p.Glu554Asp). The glutamic acid residue is highly conserved and there is a small physicochemical difference between glutamic acid and aspartic acid.

National Institute of Cancer Research, National Health Research Institutes
Classification: Uncertain significance for Gastrointestinal stromal tumor. Review status: no assertion criteria provided. Collection method: research. Allele origin: somatic. Observed: 1 variant allele.
Comment: clinical data